The following is an entry in ClinVar:

NM_002834.5(PTPN11):c.333-223A>G

Gene: PTPN11 (protein tyrosine phosphatase non-receptor type 11; plus strand). Cytogenetic location: 12q24.13.
Variant type: single nucleotide variant.
Coding change: c.333-223A>G on transcript NM_002834.5 (MANE Select); 223 bases into the intron before coding-DNA position 333, A replaced by G.
Molecular consequence: intron variant.
Genome position (GRCh38, 1-based): chr12:112,452,972, A>G. VCF-style: chr12-112452972-A-G. GRCh37 (hg19) VCF-style: chr12-112890776-A-G.
Other names: c.333-223A>G (NM_001330437.2, NM_080601.3); c.330-223A>G (NM_001374625.1).
Identifiers: ClinVar variation 561607 (VCV000561607.2), dbSNP rs2301756, ClinGen allele CA16455939.

ClinVar aggregate classification (germline): Benign. Review status: criteria provided, multiple submitters, no conflicts (2 of 4 stars). 2 submissions from 2 submitters: Benign (2). Last evaluated 2018-06-16.

Allele frequency attached by ClinVar (database versions not stated): gnomAD 0.20638 and 0.21452; TOPMed 0.23401; 1000 Genomes Project 30x 0.36571; 1000 Genomes Project 0.37340.
gnomAD v4.1: 32,377 of 151,938 alleles (21%); highest among the groups gnomAD compares: East Asian, 86%; 5,587 homozygotes.

Submissions (2):

GeneDx
Classification: Benign. Last evaluated: 2018-06-16. Review status: criteria provided, single submitter. Criteria: GeneDx Variant Classification (06012015). Collection method: clinical testing. Allele origin: germline. Affected: yes.
Comment: This variant is considered likely benign or benign based on one or more of the following criteria: it is a conservative change, it occurs at a poorly conserved position in the protein, it is predicted to be benign by multiple in silico algorithms, and/or has population frequency not consistent with disease.

Breakthrough Genomics
Classification: Benign. Review status: criteria provided, single submitter. Criteria: ACMG Guidelines, 2015. Collection method: not provided. Allele origin: germline. Inheritance: Autosomal dominant inheritance. Affected: yes.